The following is an entry in ClinVar:

NM_004369.4(COL6A3):c.8377G>A (p.Val2793Ile)

Gene: COL6A3 (collagen type VI alpha 3 chain; minus strand). Cytogenetic location: 2q37.3.
Variant type: single nucleotide variant.
Coding change: c.8377G>A on transcript NM_004369.4 (MANE Select); coding-DNA position 8377, G replaced by A.
Protein change: p.Val2793Ile; replaces valine 2793 with isoleucine.
Molecular consequence: missense variant.
Genome position (GRCh38, 1-based): chr2:237,340,539, C>T on the plus strand (G>A on the coding strand, the complement: COL6A3 is on the minus strand). VCF-style: chr2-237340539-C-T. GRCh37 (hg19) VCF-style: chr2-238249182-C-T.
Other names: c.6556G>A, p.Val2186Ile (NM_057166.5); c.7759G>A, p.Val2587Ile (NM_057167.4); short protein forms V2793I, V2587I, V2186I.
Identifiers: ClinVar variation 500364 (VCV000500364.18), dbSNP rs569907876, ClinGen allele CA2187566.

ClinVar aggregate classification (germline): Conflicting classifications of pathogenicity. Review status: criteria provided, conflicting classifications (1 of 4 stars). 4 submissions from 4 submitters: Uncertain significance (3); Benign (1). Last evaluated 2025-11-18.

Conditions:
Bethlem myopathy 1A. Also called: MYOPATHY, BENIGN CONGENITAL, WITH CONTRACTURES; Bethlem myopathy 1; Bethlem Muscular Dystrophy. Identifiers: Orphanet 610, MedGen CN029274, MONDO:0024530, OMIM 158810.

Allele frequency attached by ClinVar (database versions not stated): gnomAD exomes 0.00001 and 0.00002; ExAC 0.00002; gnomAD 0.00003 and 0.00004; TOPMed 0.00003; 1000 Genomes Project 30x 0.00016; 1000 Genomes Project 0.00020.
gnomAD v4.1: 22 of 1,614,170 alleles (0.0014%); highest among the groups gnomAD compares: Admixed American, 0.0033%; no homozygotes.

Submissions (4):

Labcorp Genetics (formerly Invitae), Labcorp
Classification: Benign for Bethlem myopathy 1A. Last evaluated: 2025-11-18. Review status: criteria provided, single submitter. Criteria: Invitae Variant Classification Sherloc (09022015). Collection method: clinical testing. Allele origin: germline.

GeneDx
Classification: Uncertain significance. Last evaluated: 2023-03-08. Review status: criteria provided, single submitter. Criteria: GeneDx Variant Classification Process June 2021. Collection method: clinical testing. Allele origin: germline. Affected: yes.
Comment: In silico analysis supports that this missense variant does not alter protein structure/function; Has not been previously published as pathogenic or benign to our knowledge; This variant is associated with the following publications: (PMID: 30564623)

Revvity Omics, Revvity
Classification: Uncertain significance. Last evaluated: 2022-08-17. Review status: criteria provided, single submitter. Criteria: ACMG Guidelines, 2015. Collection method: clinical testing. Allele origin: germline.

Eurofins Ntd Llc (ga)
Classification: Uncertain significance. Last evaluated: 2017-02-07. Review status: criteria provided, single submitter. Criteria: EGL Classification Definitions 2015. Collection method: clinical testing. Allele origin: germline. Observed: 1 variant allele, 1 heterozygote.